The following is an entry in ClinVar:

ClinVar aggregate classification (germline): Benign/Likely benign. Review status: criteria provided, multiple submitters, no conflicts (2 of 4 stars). 6 submissions from 6 submitters: Benign (4); Likely benign (2). Last evaluated 2026-02-04.

Conditions:
Cerebroretinal microangiopathy with calcifications and cysts 1 (CRMCC1). Identifiers: Orphanet 313838, MedGen C4552029, MONDO:0024564, OMIM 612199.
Dyskeratosis congenita. Identifiers: Orphanet 1775, MedGen C0265965, MONDO:0015780.

Allele frequency attached by ClinVar (database versions not stated): gnomAD exomes 0.00095 and 0.00219; ExAC 0.00282; 1000 Genomes Project 0.00958; gnomAD 0.00962 and 0.01042; ESP Exome Variant Server 0.01035; 1000 Genomes Project 30x 0.01077; TOPMed 0.01089.
gnomAD v4.1: 2,882 of 1,614,090 alleles (0.18%); highest among the groups gnomAD compares: African/African-American, 3.5%; 60 homozygotes.

Submissions (6):

Labcorp Genetics (formerly Invitae), Labcorp
Classification: Benign for Dyskeratosis congenita. Last evaluated: 2026-02-04. Review status: criteria provided, single submitter. Criteria: Invitae Variant Classification Sherloc (09022015). Collection method: clinical testing. Allele origin: germline.

ARUP Laboratories, Molecular Genetics and Genomics, ARUP Laboratories
Classification: Benign for Cerebroretinal microangiopathy with calcifications and cysts 1. Last evaluated: 2024-07-19. Review status: criteria provided, single submitter. Criteria: ARUP Molecular Germline Variant Investigation Process 2024. Collection method: clinical testing. Allele origin: germline.

Genome-Nilou Lab
Classification: Benign for Cerebroretinal microangiopathy with calcifications and cysts 1. Last evaluated: 2021-07-15. Review status: criteria provided, single submitter. Criteria: ACMG Guidelines, 2015. Collection method: clinical testing. Allele origin: germline. Affected: no.

GeneDx
Classification: Likely benign. Last evaluated: 2021-06-02. Review status: criteria provided, single submitter. Criteria: GeneDx Variant Classification Process June 2021. Collection method: clinical testing. Allele origin: germline. Affected: yes.

Illumina Laboratory Services, Illumina
Classification: Benign for Dyskeratosis congenita. Last evaluated: 2018-01-12. Review status: criteria provided, single submitter. Criteria: ICSL Variant Classification Criteria 13 December 2019. Collection method: clinical testing. Allele origin: germline.
Comment: This variant was observed in the ICSL laboratory as part of a predisposition screen in an ostensibly healthy population. It had not been previously curated by ICSL or reported in the Human Gene Mutation Database (HGMD: prior to June 1st, 2018), and was therefore a candidate for classification through an automated scoring system. Utilizing variant allele frequency, disease prevalence and penetrance estimates, and inheritance mode, an automated score was calculated to assess if this variant is too frequent to cause the disease. Based on the score and internal cut-off values, a variant classified as benign is not then subjected to further curation. The score for this variant resulted in a classification of benign for this disease.

Breakthrough Genomics
Classification: Likely benign. Review status: criteria provided, single submitter. Criteria: ACMG Guidelines, 2015. Collection method: not provided. Allele origin: germline. Inheritance: Autosomal recessive inheritance. Affected: yes.

NM_025099.6(CTC1):c.3591C>G (p.Ser1197=)

Gene: CTC1 (CST telomere replication complex component 1; minus strand). Cytogenetic location: 17p13.1.
Variant type: single nucleotide variant.
Coding change: c.3591C>G on transcript NM_025099.6 (MANE Select); coding-DNA position 3591, C replaced by G.
Protein change: p.Ser1197=; no amino-acid change (serine 1197 retained).
Molecular consequence: synonymous variant. On other transcripts: non-coding transcript variant (1).
Genome position (GRCh38, 1-based): chr17:8,228,243, G>C on the plus strand (C>G on the coding strand, the complement: CTC1 is on the minus strand). VCF-style: chr17-8228243-G-C. GRCh37 (hg19) VCF-style: chr17-8131561-G-C.
Identifiers: ClinVar variation 326063 (VCV000326063.22), dbSNP rs115990839, ClinGen allele CA8371703.